The following is an entry in ClinVar:

ClinVar aggregate classification (germline): Uncertain significance (1 of 4 stars; one submission).

Submission:

Women's Health and Genetics/Laboratory Corporation of America, LabCorp
Classification: Uncertain significance. Last evaluated: 2025-09-16. Review status: criteria provided, single submitter. Criteria: LabCorp Variant Classification Summary - May 2015. Collection method: clinical testing. Allele origin: germline.
Comment: Variant summary: PKD1 c.12682C>G (p.Arg4228Gly) results in a non-conservative amino acid change in the encoded protein sequence. Algorithms developed to predict the effect of missense changes on protein structure and function are either unavailable or do not agree on the potential impact of this missense change. The variant was absent in 244928 control chromosomes. The available data on variant occurrences in the general population are insufficient to allow any conclusion about variant significance. To our knowledge, no occurrence of c.12682C>G in individuals affected with PKD1-related conditions and no experimental evidence demonstrating its impact on protein function have been reported. No submitters have cited clinical-significance assessments for this variant to ClinVar. Based on the evidence outlined above, the variant was classified as uncertain significance.

NM_001009944.3(PKD1):c.12682C>G (p.Arg4228Gly)

Gene: PKD1 (polycystin 1, transient receptor potential channel interacting; minus strand). Cytogenetic location: 16p13.3.
Variant type: single nucleotide variant.
Coding change: c.12682C>G on transcript NM_001009944.3 (MANE Select); coding-DNA position 12682, C replaced by G.
Protein change: p.Arg4228Gly; replaces arginine 4228 with glycine.
Molecular consequence: missense variant.
Genome position (GRCh38, 1-based): chr16:2,089,957, G>C on the plus strand (C>G on the coding strand, the complement: PKD1 is on the minus strand). VCF-style: chr16-2089957-G-C. GRCh37 (hg19) VCF-style: chr16-2139958-G-C.
Other names: c.12679C>G, p.Arg4227Gly (NM_000296.4); short protein forms R4227G, R4228G.
Identifiers: ClinVar variation 4535501 (VCV004535501.1).
Genomic context (GRCh38, chr16:2,089,957, plus strand): 5'-CTTGCAGGCTGTGCAGCTGCTGCTCCAGCTGGTAGACGTCCTCTGTGGCCTGGTTGAGTC[G>C]GTCAAACTGGGTGAGCAGGGCCTCGAACACGGCTTGGAGGCGGGAGGGCTCAGGCTCACA-3'
Protein context (NP_001009944.3, residues 4218-4238): VFEALLTQFD[Arg4228Gly]LNQATEDVYQ